The following is an entry in ClinVar:

ClinVar aggregate classification (germline): Uncertain significance. Review status: criteria provided, multiple submitters, no conflicts (2 of 4 stars). 3 submissions from 3 submitters: Uncertain significance (3). Last evaluated 2025-11-19.

Conditions:
Hereditary cancer-predisposing syndrome. Also called: Tumor predisposition; Neoplastic Syndromes, Hereditary; Hereditary Cancer Syndrome; Hereditary neoplastic syndrome. Identifiers: Orphanet 140162, MedGen C0027672, MeSH D009386, MONDO:0015356.
Fanconi anemia complementation group J. Also called: BRIP1-Related Fanconi Anemia. Identifiers: Orphanet 84, MedGen C1836860, MONDO:0012187, OMIM 609054.
Familial cancer of breast. Also called: BREAST CANCER, FAMILIAL; Hereditary breast cancer; hereditary breast carcinoma. Identifiers: Orphanet 227535, MedGen C0346153, MONDO:0016419, OMIM 114480. Disease mechanism: loss of function.

Allele frequency attached by ClinVar (database versions not stated): TOPMed below 0.00001; gnomAD 0.00001.
gnomAD v4.1: 1 of 1,613,240 alleles (0.000062%); highest among the groups gnomAD compares: Non-Finnish European, 0.000085%; no homozygotes.

Submissions (3):

Labcorp Genetics (formerly Invitae), Labcorp
Classification: Uncertain significance for Familial cancer of breast; Fanconi anemia complementation group J. Last evaluated: 2025-11-19. Review status: criteria provided, single submitter. Criteria: Invitae Variant Classification Sherloc (09022015). Collection method: clinical testing. Allele origin: germline.
Comment: This sequence change replaces methionine, which is neutral and non-polar, with threonine, which is neutral and polar, at codon 532 of the BRIP1 protein (p.Met532Thr). This variant is not present in population databases (gnomAD no frequency). This variant has not been reported in the literature in individuals affected with BRIP1-related conditions. ClinVar contains an entry for this variant (Variation ID: 479470). Invitae Evidence Modeling of protein sequence and biophysical properties (such as structural, functional, and spatial information, amino acid conservation, physicochemical variation, residue mobility, and thermodynamic stability) has been performed for this missense variant. However, the output from this modeling did not meet the statistical confidence thresholds required to predict the impact of this variant on BRIP1 protein function. In summary, the available evidence is currently insufficient to determine the role of this variant in disease. Therefore, it has been classified as a Variant of Uncertain Significance.

Ambry Genetics
Classification: Uncertain significance for Hereditary cancer-predisposing syndrome. Last evaluated: 2024-08-01. Review status: criteria provided, single submitter. Criteria: Ambry Variant Classification Scheme 2023. Collection method: clinical testing. Allele origin: germline.
Comment: The p.M532T variant (also known as c.1595T>C), located in coding exon 10 of the BRIP1 gene, results from a T to C substitution at nucleotide position 1595. The methionine at codon 532 is replaced by threonine, an amino acid with similar properties. This amino acid position is highly conserved in available vertebrate species. In addition, this alteration is predicted to be deleterious by in silico analysis. Since supporting evidence is limited at this time, the clinical significance of this alteration remains unclear.

Baylor Genetics
Classification: Uncertain significance for Familial cancer of breast. Last evaluated: 2023-11-28. Review status: criteria provided, single submitter. Criteria: ACMG Guidelines, 2015. Collection method: clinical testing. Allele origin: unknown.

NM_032043.3(BRIP1):c.1595T>C (p.Met532Thr)

Gene: BRIP1 (BRCA1 interacting DNA helicase 1; minus strand). Cytogenetic location: 17q23.2.
Variant type: single nucleotide variant.
Coding change: c.1595T>C on transcript NM_032043.3 (MANE Select); coding-DNA position 1595, T replaced by C.
Protein change: p.Met532Thr; replaces methionine 532 with threonine.
Molecular consequence: missense variant.
Genome position (GRCh38, 1-based): chr17:61,784,303, A>G on the plus strand (T>C on the coding strand, the complement: BRIP1 is on the minus strand). VCF-style: chr17-61784303-A-G. GRCh37 (hg19) VCF-style: chr17-59861664-A-G.
Other names: short protein forms M532T.
Identifiers: ClinVar variation 479470 (VCV000479470.18), dbSNP rs1179705368, ClinGen allele CA400481010.